The following is an entry in ClinVar:

NM_021956.5(GRIK2):c.1099C>T (p.His367Tyr)

Gene: GRIK2 (glutamate ionotropic receptor kainate type subunit 2; plus strand). Cytogenetic location: 6q16.3.
Variant type: single nucleotide variant.
Coding change: c.1099C>T on transcript NM_021956.5 (MANE Select); coding-DNA position 1099, C replaced by T.
Protein change: p.His367Tyr; replaces histidine 367 with tyrosine.
Molecular consequence: missense variant.
Genome position (GRCh38, 1-based): chr6:101,802,334, C>T. VCF-style: chr6-101802334-C-T. GRCh37 (hg19) VCF-style: chr6-102250209-C-T.
Other names: c.1099C>T, p.His367Tyr (NM_001166247.1, NM_175768.3); short protein forms H367Y.
Identifiers: ClinVar variation 1878853 (VCV001878853.2), dbSNP rs2484073655, ClinGen allele CA365305996.

ClinVar aggregate classification (germline): Uncertain significance (1 of 4 stars; one submission).

Submission:

GeneDx
Classification: Uncertain significance. Last evaluated: 2024-12-14. Review status: criteria provided, single submitter. Criteria: GeneDx Variant Classification Process June 2021. Collection method: clinical testing. Allele origin: germline. Affected: yes.
Comment: Not observed at significant frequency in large population cohorts (gnomAD); In silico analysis supports that this missense variant has a deleterious effect on protein structure/function; Has not been previously published as pathogenic or benign to our knowledge